The following is an entry in ClinVar:

NM_001267550.2(TTN):c.30768G>A (p.Lys10256=)

Gene: TTN (titin; minus strand). Cytogenetic location: 2q31.2.
Variant type: single nucleotide variant.
Coding change: c.30768G>A on transcript NM_001267550.2 (MANE Select); coding-DNA position 30768, G replaced by A.
Protein change: p.Lys10256=; no amino-acid change (lysine 10256 retained).
Molecular consequence: synonymous variant. On other transcripts: intron variant (3).
Genome position (GRCh38, 1-based): chr2:178,697,155, C>T on the plus strand (G>A on the coding strand, the complement: TTN is on the minus strand). VCF-style: chr2-178697155-C-T. GRCh37 (hg19) VCF-style: chr2-179561882-C-T.
Other names: c.29817G>A, p.Lys9939= (NM_001256850.1); c.27036G>A, p.Lys9012= (NM_133378.4); c.13282+40927G>A (NM_003319.4); c.13858+40927G>A (NM_133437.4); c.13657+40927G>A (NM_133432.3).
Identifiers: ClinVar variation 509894 (VCV000509894.9), dbSNP rs762404146, ClinGen allele CA1999039.

ClinVar aggregate classification (germline): Likely benign. Review status: criteria provided, multiple submitters, no conflicts (2 of 4 stars). 2 submissions from 2 submitters: Likely benign (2). Last evaluated 2024-04-16.

Conditions:
Dilated cardiomyopathy 1G (CMD1G). Identifiers: Orphanet 154, MedGen C1858763, MONDO:0011400, OMIM 604145.
Autosomal recessive limb-girdle muscular dystrophy type 2J (LGMDR10). Also called: Limb-girdle muscular dystrophy, type 2J; MUSCULAR DYSTROPHY, LIMB-GIRDLE, AUTOSOMAL RECESSIVE 10. Identifiers: Orphanet 140922, MedGen C1837342, MONDO:0012127, OMIM 608807.

Allele frequency attached by ClinVar (database versions not stated): gnomAD exomes below 0.00001 and 0.00003; ExAC 0.00009.
gnomAD v4.1: 6 of 1,544,198 alleles (0.00039%); highest among the groups gnomAD compares: South Asian, 0.0062%; no homozygotes.

Submissions (2):

Labcorp Genetics (formerly Invitae), Labcorp
Classification: Likely benign for Dilated cardiomyopathy 1G; Autosomal recessive limb-girdle muscular dystrophy type 2J. Last evaluated: 2024-04-16. Review status: criteria provided, single submitter. Criteria: Invitae Variant Classification Sherloc (09022015). Collection method: clinical testing. Allele origin: germline.

GeneDx
Classification: Likely benign. Last evaluated: 2017-05-23. Review status: criteria provided, single submitter. Criteria: GeneDx Variant Classification (06012015). Collection method: clinical testing. Allele origin: germline. Affected: yes.
Comment: This variant is considered likely benign or benign based on one or more of the following criteria: it is a conservative change, it occurs at a poorly conserved position in the protein, it is predicted to be benign by multiple in silico algorithms, and/or has population frequency not consistent with disease.